The following is an entry in ClinVar:

NM_033026.6(PCLO):c.14934-3C>A

Gene: PCLO (piccolo presynaptic cytomatrix protein; minus strand). Cytogenetic location: 7q21.11.
Variant type: single nucleotide variant.
Coding change: c.14934-3C>A on transcript NM_033026.6 (MANE Select); 3 bases into the intron before coding-DNA position 14934, C replaced by A.
Molecular consequence: intron variant.
Genome position (GRCh38, 1-based): chr7:82,801,594, G>T on the plus strand (C>A on the coding strand, the complement: PCLO is on the minus strand). VCF-style: chr7-82801594-G-T. GRCh37 (hg19) VCF-style: chr7-82430910-G-T.
Identifiers: ClinVar variation 4714620 (VCV004714620.1).
Genomic context (GRCh38, chr7:82,801,594, plus strand): 5'-TCCTACTCCTACCCCTGGCTGTTTTACAGGCTCTTGTCCATTCTGTCCCATCTTCCCTCT[G>T]TTTAGAAATAAAATAAAATGATATATTCAGTTATGATCTCATGAATGCAAAAGAGGCTAA-3'

ClinVar aggregate classification (germline): Uncertain significance (1 of 4 stars; one submission).

gnomAD v4.1: 2 of 1,548,480 alleles (0.00013%); highest among the groups gnomAD compares: Non-Finnish European, 0.00018%; no homozygotes.

Submission:

Labcorp Genetics (formerly Invitae), Labcorp
Classification: Uncertain significance. Last evaluated: 2025-05-27. Review status: criteria provided, single submitter. Criteria: Invitae Variant Classification Sherloc (09022015). Collection method: clinical testing. Allele origin: germline.
Comment: This sequence change falls in intron 21 of the PCLO gene. It does not directly change the encoded amino acid sequence of the PCLO protein. It affects a nucleotide within the consensus splice site. This variant is not present in population databases (gnomAD no frequency). This variant has not been reported in the literature in individuals affected with PCLO-related conditions. Variants that disrupt the consensus splice site are a relatively common cause of aberrant splicing (PMID: 17576681, 9536098). Algorithms developed to predict the effect of sequence changes on RNA splicing suggest that this variant is not likely to affect RNA splicing. In summary, the available evidence is currently insufficient to determine the role of this variant in disease. Therefore, it has been classified as a Variant of Uncertain Significance.

Literature cited by the submitters: PubMed 17576681; PubMed 9536098.